The following is an entry in ClinVar:

NM_001195.5(BFSP1):c.452C>G (p.Ala151Gly)

Gene: BFSP1 (beaded filament structural protein 1; minus strand). Cytogenetic location: 20p12.1.
Variant type: single nucleotide variant.
Coding change: c.452C>G on transcript NM_001195.5 (MANE Select); coding-DNA position 452, C replaced by G.
Protein change: p.Ala151Gly; replaces alanine 151 with glycine.
Molecular consequence: missense variant.
Genome position (GRCh38, 1-based): chr20:17,514,803, G>C on the plus strand (C>G on the coding strand, the complement: BFSP1 is on the minus strand). VCF-style: chr20-17514803-G-C. GRCh37 (hg19) VCF-style: chr20-17495448-G-C.
Other names: c.77C>G, p.Ala26Gly (NM_001161705.2); c.35C>G, p.Ala12Gly (NM_001278606.2, NM_001278608.2); c.119C>G, p.Ala40Gly (NM_001278607.2); c.452C>G (NM_001195.4); short protein forms A40G, A12G, A151G, A26G.
Identifiers: ClinVar variation 2043102 (VCV002043102.5), dbSNP rs201290418, ClinGen allele CA9772325.

ClinVar aggregate classification (germline): Uncertain significance. Review status: criteria provided, multiple submitters, no conflicts (2 of 4 stars). 2 submissions from 2 submitters: Uncertain significance (2). Last evaluated 2025-05-16.

Conditions:
Cataract 33. Also called: CATARACT 33, CORTICAL. Identifiers: Orphanet 91492, MedGen C3808107, MONDO:0012665, OMIM 611391.
BFSP1-related disorder. Also called: BFSP1-related condition.

Allele frequency attached by ClinVar (database versions not stated): gnomAD exomes 0.00002; ExAC 0.00006; ESP Exome Variant Server 0.00008; gnomAD 0.00014; TOPMed 0.00015; 1000 Genomes Project 30x 0.00016; 1000 Genomes Project 0.00020.
gnomAD v4.1: 46 of 1,613,630 alleles (0.0029%); highest among the groups gnomAD compares: African/African-American, 0.044%; no homozygotes.

Submissions (2):

PreventionGenetics, part of Exact Sciences
Classification: Uncertain significance for BFSP1-related condition. Last evaluated: 2025-05-16. Review status: criteria provided, single submitter. Criteria: ACMG Guidelines, 2015. Collection method: clinical testing. Allele origin: germline.
Comment: The BFSP1 c.452C>G variant is predicted to result in the amino acid substitution p.Ala151Gly. To our knowledge, this variant has not been reported in the literature. This variant is reported in 0.048% of alleles in individuals of African descent in gnomAD. At this time, the clinical significance of this variant is uncertain due to the absence of conclusive functional and genetic evidence.

Labcorp Genetics (formerly Invitae), Labcorp
Classification: Uncertain significance for Cataract 33. Last evaluated: 2024-01-17. Review status: criteria provided, single submitter. Criteria: Invitae Variant Classification Sherloc (09022015). Collection method: clinical testing. Allele origin: germline.
Comment: This sequence change replaces alanine, which is neutral and non-polar, with glycine, which is neutral and non-polar, at codon 151 of the BFSP1 protein (p.Ala151Gly). This variant is present in population databases (rs201290418, gnomAD 0.05%). This variant has not been reported in the literature in individuals affected with BFSP1-related conditions. ClinVar contains an entry for this variant (Variation ID: 2043102). Advanced modeling of protein sequence and biophysical properties (such as structural, functional, and spatial information, amino acid conservation, physicochemical variation, residue mobility, and thermodynamic stability) performed at Invitae indicates that this missense variant is not expected to disrupt BFSP1 protein function with a negative predictive value of 80%. In summary, the available evidence is currently insufficient to determine the role of this variant in disease. Therefore, it has been classified as a Variant of Uncertain Significance.